The following is an entry in ClinVar:

ClinVar aggregate classification (germline): Conflicting classifications of pathogenicity. Review status: criteria provided, conflicting classifications (1 of 4 stars). 2 submissions from 2 submitters: Uncertain significance (1); Benign (1). Last evaluated 2025-05-19.

Conditions:
Hereditary breast ovarian cancer syndrome. Also called: Hereditary breast and ovarian cancer syndrome; Breast and ovarian cancer; BRCA1- and BRCA2-Associated Hereditary Breast and Ovarian Cancer; Hereditary breast and ovarian cancer; Hereditary breast and/or ovarian cancer syndrome; Hereditary breast and ovarian cancer syndrome (HBOC). Identifiers: Orphanet 145, MedGen C0677776, MeSH D061325, MONDO:0003582. Disease mechanism: loss of function.
Hereditary cancer-predisposing syndrome. Also called: Hereditary neoplastic syndrome; Neoplastic Syndromes, Hereditary; Tumor predisposition; Hereditary Cancer Syndrome. Identifiers: Orphanet 140162, MedGen C0027672, MeSH D009386, MONDO:0015356.

Submissions (2):

Ambry Genetics
Classification: Benign for Hereditary cancer-predisposing syndrome. Last evaluated: 2025-05-19. Review status: criteria provided, single submitter. Criteria: Ambry Variant Classification Scheme 2023. Collection method: clinical testing. Allele origin: germline.

Labcorp Genetics (formerly Invitae), Labcorp
Classification: Uncertain significance for Hereditary breast ovarian cancer syndrome. Last evaluated: 2024-02-05. Review status: criteria provided, single submitter. Criteria: Invitae Variant Classification Sherloc (09022015). Collection method: clinical testing. Allele origin: germline.
Comment: This sequence change replaces alanine, which is neutral and non-polar, with threonine, which is neutral and polar, at codon 2915 of the BRCA2 protein (p.Ala2915Thr). This variant is not present in population databases (gnomAD no frequency). This variant has not been reported in the literature in individuals affected with BRCA2-related conditions. ClinVar contains an entry for this variant (Variation ID: 836772). Advanced modeling of protein sequence and biophysical properties (such as structural, functional, and spatial information, amino acid conservation, physicochemical variation, residue mobility, and thermodynamic stability) performed at Invitae indicates that this missense variant is not expected to disrupt BRCA2 protein function with a negative predictive value of 95%. In summary, the available evidence is currently insufficient to determine the role of this variant in disease. Therefore, it has been classified as a Variant of Uncertain Significance.

NM_000059.4(BRCA2):c.8743G>A (p.Ala2915Thr)

Gene: BRCA2 (BRCA2 DNA repair associated; plus strand). Cytogenetic location: 13q13.1.
Variant type: single nucleotide variant.
Coding change: c.8743G>A on transcript NM_000059.4 (MANE Select); coding-DNA position 8743, G replaced by A.
Protein change: p.Ala2915Thr; replaces alanine 2915 with threonine.
Molecular consequence: missense variant.
Genome position (GRCh38, 1-based): chr13:32,376,780, G>A. VCF-style: chr13-32376780-G-A. GRCh37 (hg19) VCF-style: chr13-32950917-G-A.
Other names: short protein forms A2915T.
Identifiers: ClinVar variation 836772 (VCV000836772.13), dbSNP rs2072876301, ClinGen allele CA387755050.